The following is an entry in ClinVar:

NM_001080467.3(MYO5B):c.2470del (p.Arg824fs)

Gene: MYO5B (myosin VB; minus strand). Cytogenetic location: 18q21.1.
Variant type: Deletion.
Coding change: c.2470del on transcript NM_001080467.3 (MANE Select); coding-DNA position 2470, one base deleted (C; older notation c.2470delC).
Protein change: p.Arg824fs; shifts the reading frame from arginine 824.
Molecular consequence: frameshift variant.
Genome position (GRCh38, 1-based): chr18:49,904,773, G deleted on the plus strand (C on the coding strand, the reverse complement: MYO5B is on the minus strand); the first of 2 consecutive G bases (chr18:49,904,773-49,904,774); deleting either gives the same sequence. VCF-style (leftmost placement, unchanged base first): chr18-49904772-CG-C. GRCh37 (hg19) VCF-style: chr18-47431142-CG-C.
Other names: short protein forms R824fs.
Identifiers: ClinVar variation 4990953 (VCV004990953.1).

ClinVar aggregate classification (germline): Likely pathogenic (1 of 4 stars; one submission).

Conditions:
MYO5B-related disorder. Also called: MYO5B-related condition.

Submission:

PreventionGenetics, part of Exact Sciences
Classification: Likely pathogenic for MYO5B-related condition. Last evaluated: 2025-11-30. Review status: criteria provided, single submitter. Criteria: ACMG Guidelines, 2015. Collection method: clinical testing. Allele origin: germline.
Comment: The MYO5B c.2470delC variant is predicted to result in a frameshift and premature protein termination (p.Arg824Alafs*80). To our knowledge, this variant has not been reported in the literature or in a large population database (gnomAD), indicating this variant is rare. Frameshift variants in MYO5B are expected to be pathogenic. This variant is interpreted as likely pathogenic.